The following is an entry in ClinVar:

ClinVar aggregate classification (germline): Uncertain significance (1 of 4 stars; one submission).

Conditions:
Peroxisome biogenesis disorder 12A (Zellweger). Also called: Peroxisome biogenesis disorder 12A. Identifiers: Orphanet 912, MedGen C3554002, MONDO:0013951, OMIM 614886.

gnomAD v4.1: 2 of 1,613,990 alleles (0.00012%); highest among the groups gnomAD compares: Non-Finnish European, 0.00017%; no homozygotes.

Submission:

Labcorp Genetics (formerly Invitae), Labcorp
Classification: Uncertain significance for Peroxisome biogenesis disorder 12A (Zellweger). Last evaluated: 2022-01-16. Review status: criteria provided, single submitter. Criteria: Invitae Variant Classification Sherloc (09022015). Collection method: clinical testing. Allele origin: germline.
Comment: This sequence change replaces glycine, which is neutral and non-polar, with aspartic acid, which is acidic and polar, at codon 293 of the PEX19 protein (p.Gly293Asp). This variant is not present in population databases (gnomAD no frequency). This variant has not been reported in the literature in individuals affected with PEX19-related conditions. Algorithms developed to predict the effect of missense changes on protein structure and function are either unavailable or do not agree on the potential impact of this missense change (SIFT: "Tolerated"; PolyPhen-2: "Probably Damaging"; Align-GVGD: "Class C0"). In summary, the available evidence is currently insufficient to determine the role of this variant in disease. Therefore, it has been classified as a Variant of Uncertain Significance.

NM_002857.4(PEX19):c.878G>A (p.Gly293Asp)

Gene: PEX19 (peroxisomal biogenesis factor 19; minus strand). Cytogenetic location: 1q23.2.
Variant type: single nucleotide variant.
Coding change: c.878G>A on transcript NM_002857.4 (MANE Select); coding-DNA position 878, G replaced by A.
Protein change: p.Gly293Asp; replaces glycine 293 with aspartic acid.
Molecular consequence: missense variant. On other transcripts: non-coding transcript variant (2).
Genome position (GRCh38, 1-based): chr1:160,279,573, C>T on the plus strand (G>A on the coding strand, the complement: PEX19 is on the minus strand). VCF-style: chr1-160279573-C-T. GRCh37 (hg19) VCF-style: chr1-160249363-C-T.
Other names: c.826G>A, p.Val276Met (NM_001193644.1); short protein forms G293D, V276M.
Identifiers: ClinVar variation 2177777 (VCV002177777.2), dbSNP rs139875266, ClinGen allele CA343255155.